The following is an entry in ClinVar:

ClinVar aggregate classification (germline): Uncertain significance. Review status: criteria provided, multiple submitters, no conflicts (2 of 4 stars). 7 submissions from 7 submitters: Uncertain significance (7). Last evaluated 2026-01-06.

Conditions:
Loeys-Dietz syndrome (LDS). Identifiers: Orphanet 60030, MedGen C2697932, MONDO:0018954.
Familial thoracic aortic aneurysm and aortic dissection (TAAD). Also called: Thoracic aortic aneurysms and dissections. Identifiers: Orphanet 91387, MedGen C4707243, MONDO:0019625.

Allele frequency attached by ClinVar (database versions not stated): TOPMed 0.00002.
gnomAD v4.1: 73 of 1,613,900 alleles (0.0045%); highest among the groups gnomAD compares: Non-Finnish European, 0.0055%; no homozygotes.

Submissions (7):

Labcorp Genetics (formerly Invitae), Labcorp
Classification: Uncertain significance for Familial thoracic aortic aneurysm and aortic dissection. Last evaluated: 2026-01-06. Review status: criteria provided, single submitter. Criteria: Invitae Variant Classification Sherloc (09022015). Collection method: clinical testing. Allele origin: germline.
Comment: This sequence change replaces leucine, which is neutral and non-polar, with isoleucine, which is neutral and non-polar, at codon 406 of the TGFBR1 protein (p.Leu406Ile). This variant is present in population databases (rs200062984, gnomAD 0.003%). This missense change has been observed in individual(s) with TGFBR1-related conditions and/or vascular disease (PMID: 29510914, 35830949). ClinVar contains an entry for this variant (Variation ID: 520226). Invitae Evidence Modeling of protein sequence and biophysical properties (such as structural, functional, and spatial information, amino acid conservation, physicochemical variation, residue mobility, and thermodynamic stability) indicates that this missense variant is expected to disrupt TGFBR1 protein function with a positive predictive value of 80%. In summary, the available evidence is currently insufficient to determine the role of this variant in disease. Therefore, it has been classified as a Variant of Uncertain Significance.

Color Diagnostics, LLC DBA Color Health
Classification: Uncertain significance for Familial thoracic aortic aneurysm and aortic dissection. Last evaluated: 2025-06-25. Review status: criteria provided, single submitter. Criteria: ACMG Guidelines, 2015. Collection method: clinical testing. Allele origin: germline.
Comment: This missense variant replaces leucine with isoleucine at codon 406 of the TGFBR1 protein. Computational prediction tool suggests that this variant may have deleterious impact on protein structure and function. To our knowledge, functional studies have not been performed for this variant. This variant has been reported in an individual affected with thoracic aortic aneurysm, which was inherited from the affected father (PMID: 35830949). This variant has also been reported in an individual suspected to be affected with genetic vascular disease, mainly due to a personal or family history of aortic or arterial aneurysms and dissections (PMID: 29510914). This variant has been identified in 2/251216 chromosomes in the general population by the Genome Aggregation Database (gnomAD). The available evidence is insufficient to determine the role of this variant in disease conclusively. Therefore, this variant is classified as a Variant of Uncertain Significance.

Ambry Genetics
Classification: Uncertain significance for Familial thoracic aortic aneurysm and aortic dissection. Last evaluated: 2025-06-11. Review status: criteria provided, single submitter. Criteria: Ambry Variant Classification Scheme 2023. Collection method: clinical testing. Allele origin: germline.
Comment: The p.L406I variant (also known as c.1216T>A), located in coding exon 7 of the TGFBR1 gene, results from a T to A substitution at nucleotide position 1216. The leucine at codon 406 is replaced by isoleucine, an amino acid with highly similar properties. This alteration has been reported in a vascular genetic testing cohort (Hicks KL et al. J Vasc Surg, 2018 Sep;68:701-711). This amino acid position is highly conserved in available vertebrate species. In addition, this alteration is predicted to be deleterious by in silico analysis. Based on the available evidence, the clinical significance of this variant remains unclear.

Molecular Genetics, Royal Melbourne Hospital
Classification: Uncertain significance for Familial thoracic aortic aneurysm and aortic dissection. Last evaluated: 2024-01-05. Review status: criteria provided, single submitter. Criteria: ACMG Guidelines, 2015. Collection method: clinical testing. Allele origin: germline. Inheritance: Autosomal dominant inheritance. Affected: yes.
Comment: This sequence change in TGFBR1 is predicted to replace leucine with isoleucine at codon 406, p.(Leu406Ile). The leucine residue is highly conserved (100 vertebrates, Multiz Alignments), and is located in the protein kinase domain. There is a small physicochemical difference between leucine and isoleucine. The highest population minor allele frequency in the population database gnomAD v4.0 is 0.006% (65/1,179,978 alleles) in the European (non-Finnish) population. This variant has been reported in at least two individuals with aortic aneurysms (PMID: 29510914, 35830949). Computational evidence predicts a deleterious effect for the missense substitution (REVEL = 0.774). Based on the classification scheme RMH Modified ACMG/AMP Guidelines v1.6.1, this variant is classified as a VARIANT OF UNCERTAIN SIGNIFICANCE. Following criteria are met: PP3

All of Us Research Program, National Institutes of Health
Classification: Uncertain significance for Loeys-Dietz syndrome. Last evaluated: 2023-11-30. Review status: criteria provided, single submitter. Criteria: ACMG Guidelines, 2015. Collection method: clinical testing. Allele origin: germline. Inheritance: Autosomal dominant inheritance. Observed: 7 variant alleles, 7 heterozygotes.
Comment: This missense variant replaces leucine with isoleucine at codon 406 of the TGFBR1 protein. Computational prediction tool suggests that this variant may have deleterious impact on protein structure and function (internally defined REVEL score threshold >=0.7, PMID: 27666373). To our knowledge, functional studies have not been performed for this variant. This variant has been reported in an individual affected with thoracic aortic aneurysm, which was inherited from the affected father (PMID: 35830949). This variant has also been reported in an individual suspected of having genetic vascular disease, mainly due to a personal or family history of aortic or arterial aneurysms and dissections (PMID: 29510914). This variant has been identified in 2/251216 chromosomes in the general population by the Genome Aggregation Database (gnomAD). The available evidence is insufficient to determine the role of this variant in disease conclusively. Therefore, this variant is classified as a Variant of Uncertain Significance.

This study involves interpretation of variants in research participants for the purpose of population health screening. Participant phenotype was not available at the time of variant classification. Additional details can be found in publication PMID: 35346344, PMCID: PMC8962531

CHEO Genetics Diagnostic Laboratory, Children's Hospital of Eastern Ontario
Classification: Uncertain significance for Familial thoracic aortic aneurysm and aortic dissection. Last evaluated: 2023-03-15. Review status: criteria provided, single submitter. Criteria: ACMG Guidelines, 2015. Collection method: clinical testing. Allele origin: germline.

Center for Human Genetics, Inc
Classification: Uncertain significance for Familial thoracic aortic aneurysm and aortic dissection. Last evaluated: 2016-11-01. Review status: criteria provided, single submitter. Criteria: ACMG Guidelines, 2015. Collection method: clinical testing. Allele origin: germline. Affected: yes.

Literature cited by the submitters: PubMed 29510914 (cited by 5 submitters); PubMed 35830949 (cited by 5 submitters).

NM_004612.4(TGFBR1):c.1216T>A (p.Leu406Ile)

Gene: TGFBR1 (transforming growth factor beta receptor 1; plus strand). Cytogenetic location: 9q22.33.
Variant type: single nucleotide variant.
Coding change: c.1216T>A on transcript NM_004612.4 (MANE Select); coding-DNA position 1216, T replaced by A.
Protein change: p.Leu406Ile; replaces leucine 406 with isoleucine.
Molecular consequence: missense variant.
Genome position (GRCh38, 1-based): chr9:99,146,570, T>A. VCF-style: chr9-99146570-T-A. GRCh37 (hg19) VCF-style: chr9-101908852-T-A.
Other names: p.(Leu406Ile); c.985T>A, p.Leu329Ile (NM_001130916.3); c.1228T>A, p.Leu410Ile (NM_001306210.2); short protein forms L406I, L410I, L329I.
Identifiers: ClinVar variation 520226 (VCV000520226.24), dbSNP rs200062984, ClinGen allele CA044656.